The following is an entry in ClinVar:

NM_003924.4(PHOX2B):c.715G>T (p.Gly239Cys)

Gene: PHOX2B (paired like homeobox 2B; minus strand). Cytogenetic location: 4p13.
Variant type: single nucleotide variant.
Coding change: c.715G>T on transcript NM_003924.4 (MANE Select); coding-DNA position 715, G replaced by T.
Protein change: p.Gly239Cys; replaces glycine 239 with cysteine.
Molecular consequence: missense variant.
Genome position (GRCh38, 1-based): chr4:41,746,037, C>A on the plus strand (G>T on the coding strand, the complement: PHOX2B is on the minus strand). VCF-style: chr4-41746037-C-A. GRCh37 (hg19) VCF-style: chr4-41748054-C-A.
Other names: short protein forms G239C.
Identifiers: ClinVar variation 826872 (VCV000826872.4), dbSNP rs1577559055, ClinGen allele CA356737289.
Genomic context (GRCh38, chr4:41,746,037, plus strand): 5'-CCGCCGCTGCCGCTGCCGCCGCCGCCGCTGCCGCGGCCGCCGCCGCTGCTGCTGCGCCGC[C>A]CTTGCCGGGTTCGCCTCCCGGGCCCCCGGGCCCCGCCGCCCCCGGAGCTCCAGCCGGGCT-3'
Protein context (NP_003915.2, residues 229-249): PGGPGGEPGK[Gly239Cys]GAAAAAAAAA

ClinVar aggregate classification (germline): Uncertain significance (1 of 4 stars; one submission).

Conditions:
Hereditary cancer-predisposing syndrome. Also called: Neoplastic Syndromes, Hereditary; Tumor predisposition; Hereditary neoplastic syndrome; Hereditary Cancer Syndrome. Identifiers: Orphanet 140162, MedGen C0027672, MeSH D009386, MONDO:0015356.

Submission:

Ambry Genetics
Classification: Uncertain significance for Hereditary cancer-predisposing syndrome. Last evaluated: 2019-07-10. Review status: criteria provided, single submitter. Criteria: Ambry Variant Classification Scheme 2023. Collection method: clinical testing. Allele origin: germline.
Comment: The p.G239C variant (also known as c.715G>T), located in coding exon 3 of the PHOX2B gene, results from a G to T substitution at nucleotide position 715. The glycine at codon 239 is replaced by cysteine, an amino acid with highly dissimilar properties. This amino acid position is not well conserved in available vertebrate species. In addition, this alteration is predicted to be tolerated by in silico analysis. Since supporting evidence is limited at this time, the clinical significance of this alteration remains unclear.